The following is an entry in ClinVar:

NM_001364905.1(LRBA):c.7100A>C (p.Asn2367Thr)

Gene: LRBA (LPS responsive beige-like anchor protein; minus strand). Cytogenetic location: 4q31.3.
Variant type: single nucleotide variant.
Coding change: c.7100A>C on transcript NM_001364905.1 (MANE Select); coding-DNA position 7100, A replaced by C.
Protein change: p.Asn2367Thr; replaces asparagine 2367 with threonine.
Molecular consequence: missense variant.
Genome position (GRCh38, 1-based): chr4:150,415,532, T>G on the plus strand (A>C on the coding strand, the complement: LRBA is on the minus strand). VCF-style: chr4-150415532-T-G. GRCh37 (hg19) VCF-style: chr4-151336684-T-G.
Other names: c.7100A>C, p.Asn2367Thr (NM_001199282.3, NM_001367550.1); c.7133A>C, p.Asn2378Thr (NM_006726.5); short protein forms N2367T, N2378T.
Identifiers: ClinVar variation 2158105 (VCV002158105.4), dbSNP rs779633528, ClinGen allele CA3101729.

ClinVar aggregate classification (germline): Uncertain significance (1 of 4 stars; one submission).

Conditions:
Combined immunodeficiency due to LRBA deficiency. Also called: Common variable immunodeficiency 8, with autoimmunity. Identifiers: Orphanet 445018, MedGen C3553512, MONDO:0013863, OMIM 614700.

Allele frequency attached by ClinVar (database versions not stated): gnomAD exomes 0.00001; ExAC 0.00005.
gnomAD v4.1: 25 of 1,602,330 alleles (0.0016%); highest among the groups gnomAD compares: South Asian, 0.023%; no homozygotes.

Submission:

Labcorp Genetics (formerly Invitae), Labcorp
Classification: Uncertain significance for Combined immunodeficiency due to LRBA deficiency. Last evaluated: 2023-03-02. Review status: criteria provided, single submitter. Criteria: Invitae Variant Classification Sherloc (09022015). Collection method: clinical testing. Allele origin: germline.
Comment: Advanced modeling of protein sequence and biophysical properties (such as structural, functional, and spatial information, amino acid conservation, physicochemical variation, residue mobility, and thermodynamic stability) performed at Invitae indicates that this missense variant is not expected to disrupt LRBA protein function. In summary, the available evidence is currently insufficient to determine the role of this variant in disease. Therefore, it has been classified as a Variant of Uncertain Significance. ClinVar contains an entry for this variant (Variation ID: 2158105). This variant has not been reported in the literature in individuals affected with LRBA-related conditions. This variant is present in population databases (rs779633528, gnomAD 0.03%). This sequence change replaces asparagine, which is neutral and polar, with threonine, which is neutral and polar, at codon 2378 of the LRBA protein (p.Asn2378Thr).